The following is an entry in ClinVar:

ClinVar aggregate classification (germline): Uncertain significance. Review status: criteria provided, multiple submitters, no conflicts (2 of 4 stars). 2 submissions from 2 submitters: Uncertain significance (2). Last evaluated 2025-06-07.

Conditions:
Inborn genetic diseases. Identifiers: MedGen C0950123, MeSH D030342.

Allele frequency attached by ClinVar (database versions not stated): TOPMed below 0.00001; gnomAD exomes 0.00001.
gnomAD v4.1: 11 of 1,614,120 alleles (0.00068%); highest among the groups gnomAD compares: South Asian, 0.0044%; no homozygotes.

Submissions (2):

Ambry Genetics
Classification: Uncertain significance for Inborn genetic diseases. Last evaluated: 2025-06-07. Review status: criteria provided, single submitter. Criteria: Ambry Variant Classification Scheme 2023. Collection method: clinical testing. Allele origin: germline.

Labcorp Genetics (formerly Invitae), Labcorp
Classification: Uncertain significance. Last evaluated: 2022-04-28. Review status: criteria provided, single submitter. Criteria: Invitae Variant Classification Sherloc (09022015). Collection method: clinical testing. Allele origin: germline.
Comment: This sequence change replaces arginine, which is basic and polar, with glutamine, which is neutral and polar, at codon 659 of the XPR1 protein (p.Arg659Gln). This variant is present in population databases (no rsID available, gnomAD 0.003%). In summary, the available evidence is currently insufficient to determine the role of this variant in disease. Therefore, it has been classified as a Variant of Uncertain Significance. Algorithms developed to predict the effect of missense changes on protein structure and function (SIFT, PolyPhen-2, Align-GVGD) all suggest that this variant is likely to be tolerated. This variant has not been reported in the literature in individuals affected with XPR1-related conditions.

NM_004736.4(XPR1):c.1976G>A (p.Arg659Gln)

Gene: XPR1 (xenotropic and polytropic retrovirus receptor 1; plus strand). Cytogenetic location: 1q25.3.
Variant type: single nucleotide variant.
Coding change: c.1976G>A on transcript NM_004736.4 (MANE Select); coding-DNA position 1976, G replaced by A.
Protein change: p.Arg659Gln; replaces arginine 659 with glutamine.
Molecular consequence: missense variant. On other transcripts: non-coding transcript variant (1).
Genome position (GRCh38, 1-based): chr1:180,880,243, G>A. VCF-style: chr1-180880243-G-A. GRCh37 (hg19) VCF-style: chr1-180849379-G-A.
Other names: c.1976G>A (NM_004736.3); c.1781G>A, p.Arg594Gln (NM_001135669.2); short protein forms R659Q, R594Q.
Identifiers: ClinVar variation 1931495 (VCV001931495.6), dbSNP rs1483608464, ClinGen allele CA343598249.
Genomic context (GRCh38, chr1:180,880,243, plus strand): 5'-AGACTCTCCTAGAACAGATGATGGACCAGGATGATGGGGTACGAAACCGCCAGAAGAATC[G>A]GTCATGGAAGTACAACCAGAGCATATCCCTGCGCCGGCCTCGCCTCGCTTCTCAGTATGT-3'
Protein context (NP_004727.2, residues 649-669): DDGVRNRQKN[Arg659Gln]SWKYNQSISL